The following is an entry in ClinVar:

NM_001166108.2(PALLD):c.2787C>G (p.His929Gln)

Genes: CBR4 (carbonyl reductase 4; minus strand), PALLD (palladin, cytoskeletal associated protein; plus strand). Cytogenetic location: 4q32.3.
Variant type: single nucleotide variant.
Coding change: c.2787C>G on transcript NM_001166108.2 (MANE Select); coding-DNA position 2787, C replaced by G.
Protein change: p.His929Gln; replaces histidine 929 with glutamine.
Molecular consequence: missense variant.
Genome position (GRCh38, 1-based): chr4:168,915,964, C>G. VCF-style: chr4-168915964-C-G. GRCh37 (hg19) VCF-style: chr4-169837115-C-G.
Other names: c.1590C>G, p.His530Gln (NM_001166109.2); c.1275C>G, p.His425Gln (NM_001166110.2); c.615C>G, p.His205Gln (NM_001367567.1, NM_001367569.1); c.666C>G, p.His222Gln (NM_001367568.1, NM_001367570.1); c.2736C>G, p.His912Gln (NM_016081.4); short protein forms H222Q, H425Q, H929Q, H530Q, H205Q, H912Q.
Identifiers: ClinVar variation 1795341 (VCV001795341.2), dbSNP rs2534079203, ClinGen allele CA358706755.
Genomic context (GRCh38, chr4:168,915,964, plus strand): 5'-TAGATCAAGGGACAGTGGAGACGAAAATGAACCAATTCAGGAGCGATTCTTCAGACCTCA[C>G]TTCTTGCAGGCTCCTGGAGATCTGACTGTTCAAGAAGGAAAACTCTGCAGAATGGACTGC-3'
Protein context (NP_001159580.1, residues 919-939): EPIQERFFRP[His929Gln]FLQAPGDLTV

ClinVar aggregate classification (germline): Uncertain significance (1 of 4 stars; one submission).

Allele frequency attached by ClinVar (database versions not stated): gnomAD exomes below 0.00001.
gnomAD v4.1: 1 of 1,613,424 alleles (0.000062%); highest among the groups gnomAD compares: Non-Finnish European, 0.000085%; no homozygotes.

Submission:

Ambry Genetics
Classification: Uncertain significance. Last evaluated: 2024-03-16. Review status: criteria provided, single submitter. Criteria: Ambry Variant Classification Scheme 2023. Collection method: clinical testing. Allele origin: germline.
Comment: The p.H912Q variant (also known as c.2736C>G), located in coding exon 15 of the PALLD gene, results from a C to G substitution at nucleotide position 2736. The histidine at codon 912 is replaced by glutamine, an amino acid with highly similar properties. This amino acid position is conserved. In addition, the in silico prediction for this alteration is inconclusive. Since supporting evidence is limited at this time, the clinical significance of this alteration remains unclear.